The following is an entry in ClinVar:

ClinVar aggregate classification (germline): Uncertain significance (1 of 4 stars; one submission).

Conditions:
Bethlem myopathy 1A. Also called: Bethlem myopathy 1; Bethlem Muscular Dystrophy; MYOPATHY, BENIGN CONGENITAL, WITH CONTRACTURES. Identifiers: Orphanet 610, MedGen CN029274, MONDO:0024530, OMIM 158810.

Allele frequency attached by ClinVar (database versions not stated): gnomAD 0.00001; TOPMed 0.00001.
gnomAD v4.1: 13 of 1,609,498 alleles (0.00081%); highest among the groups gnomAD compares: Non-Finnish European, 0.0011%; no homozygotes.

Submission:

Labcorp Genetics (formerly Invitae), Labcorp
Classification: Uncertain significance for Bethlem myopathy 1A. Last evaluated: 2023-05-27. Review status: criteria provided, single submitter. Criteria: Invitae Variant Classification Sherloc (09022015). Collection method: clinical testing. Allele origin: germline.
Comment: In summary, the available evidence is currently insufficient to determine the role of this variant in disease. Therefore, it has been classified as a Variant of Uncertain Significance. Algorithms developed to predict the effect of sequence changes on RNA splicing suggest that this variant may create or strengthen a splice site. This variant has not been reported in the literature in individuals affected with COL6A2-related conditions. This variant is not present in population databases (gnomAD no frequency). This sequence change falls in intron 24 of the COL6A2 gene. It does not directly change the encoded amino acid sequence of the COL6A2 protein.

NM_001849.4(COL6A2):c.1817-16C>G

Gene: COL6A2 (collagen type VI alpha 2 chain; plus strand). Cytogenetic location: 21q22.3.
Variant type: single nucleotide variant.
Coding change: c.1817-16C>G on transcript NM_001849.4 (MANE Select); 16 bases into the intron before coding-DNA position 1817, C replaced by G.
Molecular consequence: intron variant.
Genome position (GRCh38, 1-based): chr21:46,125,449, C>G. VCF-style: chr21-46125449-C-G. GRCh37 (hg19) VCF-style: chr21-47545363-C-G.
Other names: c.1817-16C>G (NM_058175.3, NM_058174.3).
Identifiers: ClinVar variation 2727929 (VCV002727929.3), dbSNP rs761426956, ClinGen allele CA410538260.
Genomic context (GRCh38, chr21:46,125,449, plus strand): 5'-TGGGTCCTGCATGTGCACGTGACCCTAGGGTCTGAGGTCTCCCCGGTACCCCCCGATGAC[C>G]CTGCCACCCCCCCAGACTGTGAGAAGCGCTGTGGCGCCCTGGACGTGGTCTTCGTCATCG-3'